The following is an entry in ClinVar:

NM_005629.4(SLC6A8):c.603C>T (p.Asp201=)

Gene: SLC6A8 (solute carrier family 6 member 8; plus strand). Cytogenetic location: Xq28.
Variant type: single nucleotide variant.
Coding change: c.603C>T on transcript NM_005629.4 (MANE Select); coding-DNA position 603, C replaced by T.
Protein change: p.Asp201=; no amino-acid change (aspartic acid 201 retained).
Molecular consequence: synonymous variant.
Genome position (GRCh38, 1-based): chrX:153,691,512, C>T. VCF-style: chrX-153691512-C-T. GRCh37 (hg19) VCF-style: chrX-152956967-C-T.
Other names: c.603C>T, p.Asp201= (NM_001142805.2); c.258C>T, p.Asp86= (NM_001142806.1).
Identifiers: ClinVar variation 588405 (VCV000588405.42), dbSNP rs143019641, ClinGen allele CA10549209.
Genomic context (GRCh38, chrX:153,691,512, plus strand): 5'-CGTGGAGATCTTCCGCCATGAAGACTGTGCCAATGCCAGCCTGGCCAACCTCACCTGTGA[C>T]CAGCTTGCTGACCGCCGGTCCCCTGTCATCGAGTTCTGGGAGTGAGTCCGGCACCTCTGG-3'
Protein context (NP_005620.1, residues 191-211): ANASLANLTC[Asp201=]QLADRRSPVI

ClinVar aggregate classification (germline): Benign/Likely benign. Review status: criteria provided, multiple submitters, no conflicts (2 of 4 stars). 4 submissions from 4 submitters: Benign (1); Likely benign (3). Last evaluated 2026-01-24.

Conditions:
Inborn genetic diseases. Identifiers: MedGen C0950123, MeSH D030342.
Creatine transporter deficiency (CCDS1). Also called: CEREBRAL CREATINE DEFICIENCY SYNDROME 1; SLC6A8-Related Creatine Transporter Deficiency; Creatine Transporter (CRTR) Deficiency; CREATINE TRANSPORTER DEFECT; Mental retardation , X-linked with seizures, short stature and midface hypoplasia; Mental retardation , X-linked, with creatine transport deficiency. Identifiers: Orphanet 52503, MedGen C1845862, MONDO:0010305, OMIM 300352.

Allele frequency attached by ClinVar (database versions not stated): gnomAD exomes 0.00004 and 0.00016; ExAC 0.00018; gnomAD 0.00063 and 0.00073; TOPMed 0.00065; ESP Exome Variant Server 0.00085.
gnomAD v4.1: 118 of 1,211,012 alleles (0.0097%); highest among the groups gnomAD compares: African/African-American, 0.19%; no homozygotes.

Submissions (4):

Labcorp Genetics (formerly Invitae), Labcorp
Classification: Benign for Creatine transporter deficiency. Last evaluated: 2026-01-24. Review status: criteria provided, single submitter. Criteria: Invitae Variant Classification Sherloc (09022015). Collection method: clinical testing. Allele origin: germline.

CeGaT Center for Human Genetics Tuebingen
Classification: Likely benign. Last evaluated: 2022-11-01. Review status: criteria provided, single submitter. Criteria: CeGaT Center For Human Genetics Tuebingen Variant Classification Criteria Version 2. Collection method: clinical testing. Allele origin: germline. Affected: yes. Observed: 1 variant allele.
Comment: SLC6A8: BP4, BP7, BS2

GeneDx
Classification: Likely benign. Last evaluated: 2020-02-13. Review status: criteria provided, single submitter. Criteria: GeneDx Variant Classification Process June 2021. Collection method: clinical testing. Allele origin: germline. Affected: yes.
Comment: This variant is associated with the following publications: (PMID: 20717164, 16738945)

Ambry Genetics
Classification: Likely benign for Inborn genetic diseases. Last evaluated: 2016-11-02. Review status: criteria provided, single submitter. Criteria: Ambry Variant Classification Scheme 2023. Collection method: clinical testing. Allele origin: germline.